The following is an entry in ClinVar:

NM_024675.4(PALB2):c.2606C>T (p.Ser869Phe)

Gene: PALB2 (partner and localizer of BRCA2; minus strand). Cytogenetic location: 16p12.2.
Variant type: single nucleotide variant.
Coding change: c.2606C>T on transcript NM_024675.4 (MANE Select); coding-DNA position 2606, C replaced by T.
Protein change: p.Ser869Phe; replaces serine 869 with phenylalanine.
Molecular consequence: missense variant.
Genome position (GRCh38, 1-based): chr16:23,626,378, G>A on the plus strand (C>T on the coding strand, the complement: PALB2 is on the minus strand). VCF-style: chr16-23626378-G-A. GRCh37 (hg19) VCF-style: chr16-23637699-G-A.
Other names: short protein forms S869F.
Identifiers: ClinVar variation 420725 (VCV000420725.23), dbSNP rs779279139, ClinGen allele CA16620130.

ClinVar aggregate classification (germline): Uncertain significance. Review status: criteria provided, multiple submitters, no conflicts (2 of 4 stars). 8 submissions from 8 submitters: Uncertain significance (8). Last evaluated 2025-11-05.

Conditions:
Breast-ovarian cancer, familial, susceptibility to, 5 (BROVCA5). Identifiers: MedGen C5830615, MONDO:0957530, OMIM 620442.
Fanconi anemia complementation group N. Also called: PALB2-Related Fanconi Anemia. Identifiers: Orphanet 84, MedGen C1835817, MONDO:0012565, OMIM 610832. Disease mechanism: loss of function.
Pancreatic cancer, susceptibility to, 3. Identifiers: Orphanet 1333, MedGen C3150547, MONDO:0013236, OMIM 613348.
Familial cancer of breast. Also called: BREAST CANCER, FAMILIAL; hereditary breast carcinoma; Hereditary breast cancer. Identifiers: Orphanet 227535, MedGen C0346153, MONDO:0016419, OMIM 114480. Disease mechanism: loss of function.
Hereditary cancer-predisposing syndrome. Also called: Tumor predisposition; Hereditary Cancer Syndrome; Hereditary neoplastic syndrome; Neoplastic Syndromes, Hereditary. Identifiers: Orphanet 140162, MedGen C0027672, MeSH D009386, MONDO:0015356.

Allele frequency attached by ClinVar (database versions not stated): gnomAD 0.00001.
gnomAD v4.1: 4 of 1,614,050 alleles (0.00025%); highest among the groups gnomAD compares: South Asian, 0.0022%; no homozygotes.

Submissions (8):

Labcorp Genetics (formerly Invitae), Labcorp
Classification: Uncertain significance for Familial cancer of breast. Last evaluated: 2025-11-05. Review status: criteria provided, single submitter. Criteria: Invitae Variant Classification Sherloc (09022015). Collection method: clinical testing. Allele origin: germline.
Comment: This sequence change replaces serine, which is neutral and polar, with phenylalanine, which is neutral and non-polar, at codon 869 of the PALB2 protein (p.Ser869Phe). This variant is not present in population databases (gnomAD no frequency). This missense change has been observed in individual(s) with clinical features of Lynch syndrome (PMID: 25980754, 33809179). ClinVar contains an entry for this variant (Variation ID: 420725). Invitae Evidence Modeling of protein sequence and biophysical properties (such as structural, functional, and spatial information, amino acid conservation, physicochemical variation, residue mobility, and thermodynamic stability) indicates that this missense variant is expected to disrupt PALB2 protein function with a positive predictive value of 80%. In summary, the available evidence is currently insufficient to determine the role of this variant in disease. Therefore, it has been classified as a Variant of Uncertain Significance.

Fulgent Genetics
Classification: Uncertain significance for Fanconi anemia complementation group N; Pancreatic cancer, susceptibility to, 3; Breast-ovarian cancer, familial, susceptibility to, 5. Last evaluated: 2024-02-29. Review status: criteria provided, single submitter. Criteria: ACMG Guidelines, 2015. Collection method: clinical testing. Allele origin: germline.

Ambry Genetics
Classification: Uncertain significance for Hereditary cancer-predisposing syndrome. Last evaluated: 2024-02-07. Review status: criteria provided, single submitter. Criteria: Ambry Variant Classification Scheme 2023. Collection method: clinical testing. Allele origin: germline.
Comment: The p.S869F variant (also known as c.2606C>T), located in coding exon 7 of the PALB2 gene, results from a C to T substitution at nucleotide position 2606. The serine at codon 869 is replaced by phenylalanine, an amino acid with highly dissimilar properties. This amino acid position is well conserved in available vertebrate species. In addition, this alteration is predicted to be tolerated by in silico analysis. Based on the available evidence, the clinical significance of this alteration remains unclear.

Baylor Genetics
Classification: Uncertain significance for Familial cancer of breast. Last evaluated: 2023-06-21. Review status: criteria provided, single submitter. Criteria: ACMG Guidelines, 2015. Collection method: clinical testing. Allele origin: unknown.

Blueprint Genetics
Classification: Uncertain significance. Last evaluated: 2022-12-13. Review status: criteria provided, single submitter. Criteria: ACMG Guidelines, 2015. Collection method: clinical testing. Allele origin: germline.

Color Diagnostics, LLC DBA Color Health
Classification: Uncertain significance for Hereditary cancer-predisposing syndrome. Last evaluated: 2021-10-26. Review status: criteria provided, single submitter. Criteria: ACMG Guidelines, 2015. Collection method: clinical testing. Allele origin: germline.
Comment: This missense variant replaces serine with phenylalanine at codon 869 of the PALB2 protein. Computational prediction suggests that this variant may not impact protein structure and function (internally defined REVEL score threshold <= 0.5, PMID: 27666373). To our knowledge, functional studies have not been reported for this variant. This variant has been reported in two individuals affected with suspected Lynch syndrome cancers in the literature (PMID: 25980754, 33809179). In a large breast cancer case-control study, this variant was identified in 2/60464 cases and 2/53459 controls (PMID: 33471991 - Leiden Open Variation Database DB-ID PALB2_010868). This variant has not been identified in the general population by the Genome Aggregation Database (gnomAD). The available evidence is insufficient to determine the role of this variant in disease conclusively. Therefore, this variant is classified as a Variant of Uncertain Significance.

Quest Diagnostics Nichols Institute San Juan Capistrano
Classification: Uncertain significance. Last evaluated: 2017-10-09. Review status: criteria provided, single submitter. Criteria: Quest Diagnostics criteria. Collection method: clinical testing. Allele origin: germline.

GeneDx
Classification: Uncertain significance. Last evaluated: 2017-07-14. Review status: criteria provided, single submitter. Criteria: GeneDx Variant Classification (06012015). Collection method: clinical testing. Allele origin: germline. Affected: yes.
Comment: This variant is denoted PALB2 c.2606C>T at the cDNA level, p.Ser869Phe (S869F) at the protein level, and results in the change of a Serine to a Phenylalanine (TCC>TTC). This variant was observed in an individual with Lynch-syndrome associated cancer and/or polyps (Yurgelun 2015). PALB2 Ser869Phe was not observed in large population cohorts (NHLBI Exome Sequencing Project, The 1000 Genomes Consortium 2015, Lek 2016). Since Serine and Phenylalanine differ in polarity, charge, size or other properties, this is considered a non-conservative amino acid substitution. PALB2 Ser869Phe occurs at a position that is not conserved, but is located within the WD1 repeat, within the region of interaction with RAD51, BRCA2, and POLH and is required for POLH DNA synthesis stimulation (UniProt). In silico analyses predict that this variant is probably damaging to protein structure and function. Based on currently available evidence, it is unclear whether PALB2 Ser869Phe is a pathogenic or benign variant. We consider it to be a variant of uncertain significance.

Literature cited by the submitters: PubMed 25980754 (cited by 3 submitters); PubMed 33809179 (cited by Labcorp Genetics (formerly Invitae), Labcorp and Color Diagnostics, LLC DBA Color Health); PubMed 33471991 (cited by Color Diagnostics, LLC DBA Color Health).